The following is an entry in ClinVar:

ClinVar aggregate classification (germline): Likely pathogenic. Review status: criteria provided, multiple submitters, no conflicts (2 of 4 stars). 3 submissions from 3 submitters: Likely pathogenic (2). 1 of the submissions does not count toward it. Last evaluated 2025-08-28.

Conditions:
SMPD1-related disorder. Also called: SMPD1-related condition.
Niemann-Pick disease, type A. Also called: Infantile Neurovisceral ASMD (Niemann-Pick Disease Type A; NPD-A); SPHINGOMYELIN LIPIDOSIS; SPHINGOMYELINASE DEFICIENCY. Identifiers: Orphanet 77292, MedGen C0268242, MONDO:0009756, OMIM 257200. Disease mechanism: loss of function.

Submissions (3):

Natera, Inc.
Classification: Likely pathogenic for Niemann-Pick Disease, Types A/B. Last evaluated: 2025-08-28. Review status: criteria provided, single submitter. Criteria: Natera Variant Classification Schema (03/2026). Collection method: clinical testing. Allele origin: germline.
Comment: The c.1379delC variant in SMPD1 is a frameshift variant predicted to shift the reading frame beginning at codon 460 and leads to a stop codon 15 codons downstream. This variant is expected to result in nonsense mediated decay, truncation, or a dysfunctional protein product. This variant is rare in the general population with a frequency below the threshold expected for the associated phenotype(s). Given the available evidence, this variant is classified as Likely Pathogenic.

PreventionGenetics, part of Exact Sciences
Classification: Likely pathogenic for SMPD1-related condition. Last evaluated: 2025-04-04. Review status: criteria provided, single submitter. Criteria: ACMG Guidelines, 2015. Collection method: clinical testing. Allele origin: germline.
Comment: The SMPD1 c.1379delC variant is predicted to result in a frameshift and premature protein termination (p.Thr460Ilefs*15). To our knowledge, this variant has not been reported in the literature or in a large population database (gnomAD), indicating this variant is rare. Frameshift variants in SMPD1 are expected to be pathogenic. This variant is interpreted as likely pathogenic.

Counsyl
Classification: Likely pathogenic for Niemann-Pick disease, type A. Last evaluated: 2018-03-24. Review status: no assertion criteria provided. Collection method: clinical testing. Allele origin: unknown. Not counted in ClinVar's aggregate classification.

NM_000543.5(SMPD1):c.1379del (p.Thr460fs)

Gene: SMPD1 (sphingomyelin phosphodiesterase 1; plus strand). Cytogenetic location: 11p15.4.
Variant type: Deletion.
Coding change: c.1379del on transcript NM_000543.5 (MANE Select); coding-DNA position 1379, one base deleted (C; older notation c.1379delC).
Protein change: p.Thr460fs; shifts the reading frame from threonine 460.
Molecular consequence: frameshift variant. On other transcripts: non-coding transcript variant (2).
Genome position (GRCh38, 1-based): chr11:6,393,934, C deleted. VCF-style (leftmost placement, unchanged base first): chr11-6393933-AC-A. GRCh37 (hg19) VCF-style: chr11-6415163-AC-A.
Other names: c.1376del, p.Thr459fs (NM_001007593.3); c.1379del, p.Thr460fs (NM_001318087.2); c.458del, p.Thr153fs (NM_001318088.2); c.1247del, p.Thr416fs (NM_001365135.2); short protein forms T153fs, T460fs, T459fs, T416fs.
Identifiers: ClinVar variation 557419 (VCV000557419.4), dbSNP rs1554935285, ClinGen allele CA658822284.